The following is an entry in ClinVar:

ClinVar aggregate classification (germline): Conflicting classifications of pathogenicity. Review status: criteria provided, conflicting classifications (1 of 4 stars). 21 submissions from 21 submitters: Uncertain significance (15); Likely benign (3). 3 of the submissions do not count toward it. Last evaluated 2026-07-07.

Conditions:
ATM-related disorder. Also called: ATM-related disorders; ATM-related condition.
Familial cancer of breast. Also called: hereditary breast carcinoma; BREAST CANCER, FAMILIAL; Hereditary breast cancer. Identifiers: Orphanet 227535, MedGen C0346153, MONDO:0016419, OMIM 114480. Disease mechanism: loss of function.
Ataxia-telangiectasia syndrome (AT). Also called: ATAXIA-TELANGIECTASIA, COMPLEMENTATION GROUP A; ATAXIA-TELANGIECTASIA, FRESNO VARIANT; Ataxia-telangiectasia; Ataxia-telangiectasia, complementation group E; Cerebello-oculocutaneous telangiectasia; Immunodeficiency with ataxia telangiectasia. Identifiers: Orphanet 100, MedGen C0004135, MONDO:0008840, OMIM 208900.
Hereditary cancer-predisposing syndrome. Also called: Hereditary Cancer Syndrome; Tumor predisposition; Neoplastic Syndromes, Hereditary; Hereditary neoplastic syndrome. Identifiers: Orphanet 140162, MedGen C0027672, MeSH D009386, MONDO:0015356.
Breast and/or ovarian cancer. Identifiers: MedGen CN221562.
Hereditary breast ovarian cancer syndrome. Also called: Hereditary breast and ovarian cancer syndrome; Hereditary breast and ovarian cancer syndrome (HBOC); Hereditary breast and ovarian cancer; Hereditary breast and/or ovarian cancer syndrome; BRCA1- and BRCA2-Associated Hereditary Breast and Ovarian Cancer; Breast and ovarian cancer. Identifiers: Orphanet 145, MedGen C0677776, MeSH D061325, MONDO:0003582. Disease mechanism: loss of function.

Allele frequency attached by ClinVar (database versions not stated): TOPMed 0.00002; gnomAD 0.00003.
gnomAD v4.1: 74 of 1,614,040 alleles (0.0046%); highest among the groups gnomAD compares: Admixed American, 0.0067%; no homozygotes.

Submissions 1 to 12 of 21:

German Consortium for Hereditary Breast and Ovarian Cancer, University Hospital Cologne
Classification: Likely benign for Hereditary breast ovarian cancer syndrome. Last evaluated: 2026-07-07. Review status: criteria provided, single submitter. Criteria: ClinGen ATM V1.5.0. Collection method: curation. Allele origin: germline.
Comment: This classification follows the ClinGen ACMG ATM v1.5.0 classification scheme; We chose these criteria: PP3 (supporting pathogenic): REVEL = 0.795 (thus > 0.7333), BS3 (medium benign): Hanenberg (2025, PMID: 40105422) & Lee (2025, PMID: 40580951) FUNCTIONAL

CeGaT Center for Human Genetics Tuebingen
Classification: Uncertain significance. Last evaluated: 2026-02-01. Review status: criteria provided, single submitter. Criteria: CeGaT Center For Human Genetics Tuebingen Variant Classification Criteria Version 2. Collection method: clinical testing. Allele origin: germline. Affected: yes. Observed: 4 variant alleles.
Comment: ATM: PM2, PM5

Labcorp Genetics (formerly Invitae), Labcorp
Classification: Uncertain significance for Ataxia-telangiectasia syndrome. Last evaluated: 2026-01-26. Review status: criteria provided, single submitter. Criteria: Invitae Variant Classification Sherloc (09022015). Collection method: clinical testing. Allele origin: germline.
Comment: This sequence change replaces arginine, which is basic and polar, with cysteine, which is neutral and slightly polar, at codon 2459 of the ATM protein (p.Arg2459Cys). This variant is present in population databases (rs730881383, gnomAD 0.01%). This missense change has been observed in individual(s) with a high risk of breast, ovarian, or prostate cancer and/or immunodeficiency (PMID: 29522266, 29752822, 32658311, 33436325, 39052144). ClinVar contains an entry for this variant (Variation ID: 185845). Invitae Evidence Modeling of protein sequence and biophysical properties (such as structural, functional, and spatial information, amino acid conservation, physicochemical variation, residue mobility, and thermodynamic stability) has been performed for this missense variant. However, the output from this modeling did not meet the statistical confidence thresholds required to predict the impact of this variant on ATM protein function. In summary, the available evidence is currently insufficient to determine the role of this variant in disease. Therefore, it has been classified as a Variant of Uncertain Significance.

PreventionGenetics, part of Exact Sciences
Classification: Uncertain significance for ATM-related condition. Last evaluated: 2025-07-29. Review status: criteria provided, single submitter. Criteria: ACMG Guidelines, 2015. Collection method: clinical testing. Allele origin: germline.
Comment: The ATM c.7375C>T variant is predicted to result in the amino acid substitution p.Arg2459Cys. This variant has been reported in individuals with breast, ovarian, or prostate cancer (Table S1, Hauke et al. 2018. PubMed ID: 29522266; Table S8, Li et al. 2018. PubMed ID: 29752822; Table S6, Akcay et al. 2021. PubMed ID 32658311; Table S4, Karlsson et al. 2021. PubMed ID: 33436325; Table A2, Krivokuca et al. 2022. PubMed ID: 34284872). This variant is reported in 0.010% of alleles in individuals of East Asian descent in gnomAD and has conflicting interpretations of uncertain and likely benign in ClinVar (Variation ID: 185845). At this time, the clinical significance of this variant is uncertain due to the absence of conclusive functional and genetic evidence.

Quest Diagnostics Nichols Institute San Juan Capistrano
Classification: Uncertain significance. Last evaluated: 2025-07-16. Review status: criteria provided, single submitter. Criteria: Quest Diagnostics criteria. Collection method: clinical testing. Allele origin: unknown.

Women's Health and Genetics/Laboratory Corporation of America, LabCorp
Classification: Uncertain significance. Last evaluated: 2025-04-03. Review status: criteria provided, single submitter. Criteria: LabCorp Variant Classification Summary - May 2015. Collection method: clinical testing. Allele origin: germline.
Comment: Variant summary: ATM c.7375C>T (p.Arg2459Cys) results in a non-conservative amino acid change located in the PIK-related kinase (IPR014009) of the encoded protein sequence. Five of five in-silico tools predict a damaging effect of the variant on protein function. The variant allele was found at a frequency of 3.6e-05 in 251258 control chromosomes. The available data on variant occurrences in the general population are insufficient to allow any conclusion about variant significance. c.7375C>T has been reported in the literature in individuals affected with Breast Cancer and Chronic Lymphocytic Leukemia (e.g. Cejkova_2008, Navrkalova_2013, Li_2018, Hauke_2018, Ackay_2020, Krivokuca_2021), and healthy controls (e.g. Tiao_2017).. These report(s) do not provide unequivocal conclusions about association of the variant with Breast Cancer. To our knowledge, no experimental evidence demonstrating an impact on protein function has been reported. The following publications have been ascertained in the context of this evaluation (PMID: 23585524, 28652578, 29522266, 29752822, 19018867, 32658311, 34284872). ClinVar contains an entry for this variant (Variation ID: 185845). Based on the evidence outlined above, the variant was classified as uncertain significance.

Blueprint Genetics
Classification: Likely benign. Last evaluated: 2024-11-08. Review status: criteria provided, single submitter. Criteria: ACMG Guidelines, 2015. Collection method: clinical testing. Allele origin: germline.

Ambry Genetics
Classification: Uncertain significance for Hereditary cancer-predisposing syndrome. Last evaluated: 2024-08-14. Review status: criteria provided, single submitter. Criteria: Ambry Variant Classification Scheme 2023. Collection method: clinical testing. Allele origin: germline.
Comment: The p.R2459C variant (also known as c.7375C>T), located in coding exon 49 of the ATM gene, results from a C to T substitution at nucleotide position 7375. The arginine at codon 2459 is replaced by cysteine, an amino acid with highly dissimilar properties. This amino acid position is highly conserved in available vertebrate species. In addition, this alteration is predicted to be deleterious by in silico analysis. Since supporting evidence is limited at this time, the clinical significance of this alteration remains unclear.

Myriad Genetics, Inc.
Classification: Likely benign for Familial cancer of breast. Last evaluated: 2024-06-13. Review status: criteria provided, single submitter. Criteria: Myriad Autosomal Dominant, Autosomal Recessive and X-Linked Classification Criteria (2023). Collection method: clinical testing. Allele origin: unknown.
Comment: This variant is considered likely benign. This variant is strongly associated with less severe personal and family histories of cancer, typical for individuals without pathogenic variants in this gene [PMID: 25085752].

Baylor Genetics
Classification: Uncertain significance for Familial cancer of breast. Last evaluated: 2024-03-24. Review status: criteria provided, single submitter. Criteria: ACMG Guidelines, 2015. Collection method: clinical testing. Allele origin: unknown.

Fulgent Genetics
Classification: Uncertain significance for Familial cancer of breast; Ataxia-telangiectasia syndrome. Last evaluated: 2024-03-13. Review status: criteria provided, single submitter. Criteria: ACMG Guidelines, 2015. Collection method: clinical testing. Allele origin: germline.

GeneDx
Classification: Uncertain significance. Last evaluated: 2023-09-07. Review status: criteria provided, single submitter. Criteria: GeneDx Variant Classification Process June 2021. Collection method: clinical testing. Allele origin: germline. Affected: yes.
Comment: Not observed at significant frequency in large population cohorts (gnomAD); In silico analysis supports that this missense variant has a deleterious effect on protein structure/function; This variant is associated with the following publications: (PMID: 28652578, 30099369, 23585524, 19018867, 27479817, 25742471, 24983367, 29522266, 28667006, 26010451, 29752822, 33436325, 34803902, 32658311, 23532176, 35365198, 33471991, 34284872)

NM_000051.4(ATM):c.7375C>T (p.Arg2459Cys)

Genes: ATM (ATM serine/threonine kinase; plus strand), C11orf65 (chromosome 11 open reading frame 65; minus strand). Cytogenetic location: 11q22.3.
Variant type: single nucleotide variant.
Coding change: c.7375C>T on transcript NM_000051.4 (MANE Select); coding-DNA position 7375, C replaced by T.
Protein change: p.Arg2459Cys; replaces arginine 2459 with cysteine.
Molecular consequence: missense variant. On other transcripts: intron variant (2).
Genome position (GRCh38, 1-based): chr11:108,330,281, C>T. VCF-style: chr11-108330281-C-T. GRCh37 (hg19) VCF-style: chr11-108201008-C-T.
Other names: c.7375C>T, p.Arg2459Cys (NM_001351834.2); c.641-21210G>A (NM_001330368.2); c.*38+4939G>A (NM_001351110.2); short protein forms R2459C.
Identifiers: ClinVar variation 185845 (VCV000185845.79), dbSNP rs730881383, ClinGen allele CA193139.